The following is an entry in ClinVar:

ClinVar aggregate classification (germline): Benign. Review status: criteria provided, multiple submitters, no conflicts (2 of 4 stars). 3 submissions from 3 submitters: Benign (2). 1 of the submissions does not count toward it. Last evaluated 2019-12-31.

Conditions:
XIRP2-related disorder. Also called: XIRP2-related condition.

Allele frequency attached by ClinVar (database versions not stated): ESP Exome Variant Server 0.00017; gnomAD 0.00113 and 0.00161; TOPMed 0.00148; ExAC 0.00301; gnomAD exomes 0.00307; 1000 Genomes Project 30x 0.00703; 1000 Genomes Project 0.00719.
gnomAD v4.1: 2,778 of 1,613,616 alleles (0.17%); highest among the groups gnomAD compares: East Asian, 3.4%; 45 homozygotes.

Submissions (3):

Labcorp Genetics (formerly Invitae), Labcorp
Classification: Benign. Last evaluated: 2019-12-31. Review status: criteria provided, single submitter. Criteria: Invitae Variant Classification Sherloc (09022015). Collection method: clinical testing. Allele origin: germline.

Breakthrough Genomics
Classification: Benign. Review status: criteria provided, single submitter. Criteria: ACMG Guidelines, 2015. Collection method: not provided. Allele origin: germline. Inheritance: Unknown mechanism. Affected: yes.

PreventionGenetics, part of Exact Sciences
Classification: Benign for XIRP2-related condition. Last evaluated: 2019-10-28. Review status: no assertion criteria provided. Collection method: clinical testing. Allele origin: germline. Not counted in ClinVar's aggregate classification.
Comment: This variant is classified as benign based on ACMG/AMP sequence variant interpretation guidelines (Richards et al. 2015 PMID: 25741868, with internal and published modifications).

NM_152381.6(XIRP2):c.5114G>A (p.Arg1705His)

Gene: XIRP2 (xin actin binding repeat containing 2; plus strand). Cytogenetic location: 2q24.3.
Variant type: single nucleotide variant.
Coding change: c.5114G>A on transcript NM_152381.6 (MANE Select); coding-DNA position 5114, G replaced by A.
Protein change: p.Arg1705His; replaces arginine 1705 with histidine.
Molecular consequence: missense variant. On other transcripts: intron variant (3).
Genome position (GRCh38, 1-based): chr2:167,246,506, G>A. VCF-style: chr2-167246506-G-A. GRCh37 (hg19) VCF-style: chr2-168103016-G-A.
Other names: c.4448G>A, p.Arg1483His (NM_001199144.2); c.1275+4596G>A (NM_001199143.2); c.1176+4596G>A (NM_001079810.4); c.510+4596G>A (NM_001199145.2); c.5114G>A (NM_152381.5); short protein forms R1705H, R1483H.
Identifiers: ClinVar variation 724598 (VCV000724598.7), dbSNP rs117183838, ClinGen allele CA1947157.